The following is an entry in ClinVar:

NM_001127392.3(MYRF):c.3375+10G>A

Gene: MYRF (myelin regulatory factor; plus strand). Cytogenetic location: 11q12.2.
Variant type: single nucleotide variant.
Coding change: c.3375+10G>A on transcript NM_001127392.3 (MANE Select); 10 bases into the intron after coding-DNA position 3375, G replaced by A.
Molecular consequence: intron variant.
Genome position (GRCh38, 1-based): chr11:61,785,884, G>A. VCF-style: chr11-61785884-G-A. GRCh37 (hg19) VCF-style: chr11-61553356-G-A.
Other names: c.3255+10G>A (NM_013279.4).
Identifiers: ClinVar variation 3052451 (VCV003052451.2), dbSNP rs199605323, ClinGen allele CA6038399.
Genomic context (GRCh38, chr11:61,785,884, plus strand): 5'-ACCATCCTGTCCTTCCGTGAATTCACCTACCACTTCCGGGTGGCACTGCTGGTGAGCAGG[G>A]GCATCCCACCTACCCTGGAGGTCTGGGCACCCCTGTCTGCGACGTGGGGCTTGAGGAATG-3'

ClinVar aggregate classification (germline): Likely benign (0 of 4 stars; one submission).

Conditions:
MYRF-related disorder. Also called: MYRF-related disorders; MYRF-related condition.

Allele frequency attached by ClinVar (database versions not stated): 1000 Genomes Project 0.00140; 1000 Genomes Project 30x 0.00156; TOPMed 0.00216; ExAC 0.00217; ESP Exome Variant Server 0.00300; gnomAD exomes 0.00352.
gnomAD v4.1: 5,400 of 1,613,814 alleles (0.33%); highest among the groups gnomAD compares: Non-Finnish European, 0.41%; 19 homozygotes.

Submission:

PreventionGenetics, part of Exact Sciences
Classification: Likely benign for MYRF-related condition. Last evaluated: 2019-04-12. Review status: no assertion criteria provided. Collection method: clinical testing. Allele origin: germline.
Comment: This variant is classified as likely benign based on ACMG/AMP sequence variant interpretation guidelines (Richards et al. 2015 PMID: 25741868, with internal and published modifications).